The following is an entry in ClinVar:

NM_013275.6(ANKRD11):c.5637A>C (p.Pro1879=)

Gene: ANKRD11 (ankyrin repeat domain 11; minus strand). Cytogenetic location: 16q24.3.
Variant type: single nucleotide variant.
Coding change: c.5637A>C on transcript NM_013275.6 (MANE Select); coding-DNA position 5637, A replaced by C.
Protein change: p.Pro1879=; no amino-acid change (proline 1879 retained).
Molecular consequence: synonymous variant.
Genome position (GRCh38, 1-based): chr16:89,280,905, T>G on the plus strand (A>C on the coding strand, the complement: ANKRD11 is on the minus strand). VCF-style: chr16-89280905-T-G. GRCh37 (hg19) VCF-style: chr16-89347313-T-G.
Other names: c.5637A>C, p.Pro1879= (NM_001256182.2, NM_001256183.2).
Identifiers: ClinVar variation 3061531 (VCV003061531.3), dbSNP rs2544226964, ClinGen allele CA497373869.

ClinVar aggregate classification (germline): Likely benign. Review status: criteria provided, single submitter (1 of 4 stars). 2 submissions from 2 submitters: Likely benign (1). 1 of the submissions does not count toward it. Last evaluated 2023-09-20.

Conditions:
ANKRD11-related disorder. Also called: ANKRD11-related condition.

Submissions (2):

Blueprint Genetics
Classification: Likely benign. Last evaluated: 2023-09-20. Review status: criteria provided, single submitter. Criteria: ACMG Guidelines, 2015. Collection method: clinical testing. Allele origin: germline.

PreventionGenetics, part of Exact Sciences
Classification: Likely benign for ANKRD11-related condition. Last evaluated: 2021-11-04. Review status: no assertion criteria provided. Collection method: clinical testing. Allele origin: germline. Not counted in ClinVar's aggregate classification.
Comment: This variant is classified as likely benign based on ACMG/AMP sequence variant interpretation guidelines (Richards et al. 2015 PMID: 25741868, with internal and published modifications).